The following is an entry in ClinVar:

NM_005732.4(RAD50):c.2306A>C (p.Glu769Ala)

Gene: RAD50 (RAD50 double strand break repair protein; plus strand). Cytogenetic location: 5q31.1.
Variant type: single nucleotide variant.
Coding change: c.2306A>C on transcript NM_005732.4 (MANE Select); coding-DNA position 2306, A replaced by C.
Protein change: p.Glu769Ala; replaces glutamic acid 769 with alanine.
Molecular consequence: missense variant.
Genome position (GRCh38, 1-based): chr5:132,603,398, A>C. VCF-style: chr5-132603398-A-C. GRCh37 (hg19) VCF-style: chr5-131939090-A-C.
Other names: short protein forms E769A.
Identifiers: ClinVar variation 482137 (VCV000482137.5), dbSNP rs1554099102, ClinGen allele CA360954503.

ClinVar aggregate classification (germline): Uncertain significance (1 of 4 stars; one submission).

Conditions:
Hereditary cancer-predisposing syndrome. Also called: Neoplastic Syndromes, Hereditary; Tumor predisposition; Hereditary Cancer Syndrome; Hereditary neoplastic syndrome. Identifiers: Orphanet 140162, MedGen C0027672, MeSH D009386, MONDO:0015356.

Submission:

Ambry Genetics
Classification: Uncertain significance for Hereditary cancer-predisposing syndrome. Last evaluated: 2017-01-25. Review status: criteria provided, single submitter. Criteria: Ambry Variant Classification Scheme 2023. Collection method: clinical testing. Allele origin: germline.
Comment: The p.E769A variant (also known as c.2306A>C), located in coding exon 14 of the RAD50 gene, results from an A to C substitution at nucleotide position 2306. The glutamic acid at codon 769 is replaced by alanine, an amino acid with dissimilar properties. This amino acid position is highly conserved in available vertebrate species. In addition, the in silico prediction for this alteration is inconclusive. Since supporting evidence is limited at this time, the clinical significance of this alteration remains unclear.